The following is an entry in ClinVar:

ClinVar aggregate classification (germline): Pathogenic (1 of 4 stars; one submission).

Conditions:
Osteogenesis imperfecta type I (OI1). Also called: OI, TYPE I; OSTEOGENESIS IMPERFECTA TARDA; OSTEOGENESIS IMPERFECTA WITH BLUE SCLERAE; Osteogenesis imperfecta type 1; Classic Non-deforming Osteogenesis Imperfecta with Blue Sclerae; Lobstein's Disease. Identifiers: Orphanet 216796, Orphanet 666, MedGen C0023931, MONDO:0008146, OMIM 166200. Disease mechanism: loss of function.
Ehlers-Danlos syndrome, classic type, 1 (EDSCL1). Also called: EHLERS-DANLOS SYNDROME, GRAVIS TYPE; EHLERS-DANLOS SYNDROME, SEVERE CLASSIC TYPE; EDS I; Ehlers-Danlos Syndrome, Classic Type, COL5A1-Related; Ehlers-Danlos syndrome, type 1. Identifiers: MedGen C0268335, MONDO:0019567, OMIM 130000.

Submission:

Labcorp Genetics (formerly Invitae), Labcorp
Classification: Pathogenic for Osteogenesis imperfecta type I; Ehlers-Danlos syndrome, classic type, 1. Last evaluated: 2021-11-15. Review status: criteria provided, single submitter. Criteria: Invitae Variant Classification Sherloc (09022015). Collection method: clinical testing. Allele origin: germline.
Comment: This variant disrupts the triple helix domain of COL1A2. Glycine residues within the Gly-Xaa-Yaa repeats of the triple helix domain are required for the structure and stability of fibrillar collagens (PMID: 7695699, 8218237, 19344236). In COL1A2, variants affecting these glycine residues are significantly enriched in individuals with disease (PMID: 9016532, 17078022) compared to the general population (ExAC). For these reasons, this variant has been classified as Pathogenic. Advanced modeling of protein sequence and biophysical properties (such as structural, functional, and spatial information, amino acid conservation, physicochemical variation, residue mobility, and thermodynamic stability) performed at Invitae indicates that this missense variant is expected to disrupt COL1A2 protein function. This sequence change replaces glycine, which is neutral and non-polar, with aspartic acid, which is acidic and polar, at codon 1057 of the COL1A2 protein (p.Gly1057Asp). This variant is not present in population databases (gnomAD no frequency). This missense change has been observed in individual(s) with autosomal dominant osteogenesis imperfecta (Invitae). ClinVar contains an entry for this variant (Variation ID: 1067319).

Literature cited by the submitters: PubMed 7695699; PubMed 8218237; PubMed 19344236; PubMed 9016532; PubMed 17078022.

NM_000089.4(COL1A2):c.3170G>A (p.Gly1057Asp)

Gene: COL1A2 (collagen type I alpha 2 chain; plus strand). Cytogenetic location: 7q21.3.
Variant type: single nucleotide variant.
Coding change: c.3170G>A on transcript NM_000089.4 (MANE Select); coding-DNA position 3170, G replaced by A.
Protein change: p.Gly1057Asp; replaces glycine 1057 with aspartic acid.
Molecular consequence: missense variant.
Genome position (GRCh38, 1-based): chr7:94,427,198, G>A. VCF-style: chr7-94427198-G-A. GRCh37 (hg19) VCF-style: chr7-94056510-G-A.
Other names: short protein forms G1057D.
Identifiers: ClinVar variation 1067319 (VCV001067319.8), dbSNP rs2115957747, ClinGen allele CA368225423.
Genomic context (GRCh38, chr7:94,427,198, plus strand): 5'-CCTTGGTGGGATTCACCAGCTCACATGTACCTGGTGTCTGTCTTCCTTAGGGCCCTGCTG[G>A]TCCTTCTGGCCCTGCTGGAAAAGATGGTCGCACTGGACATCCTGGTACAGTTGGACCTGC-3'
Protein context (NP_000080.2, residues 1047-1067): VGPAGPRGPA[Gly1057Asp]PSGPAGKDGR